The following is an entry in ClinVar:

NM_022454.4(SOX17):c.817C>G (p.Arg273Gly)

Gene: SOX17 (SRY-box transcription factor 17; plus strand). Cytogenetic location: 8q11.23.
Variant type: single nucleotide variant.
Coding change: c.817C>G on transcript NM_022454.4 (MANE Select); coding-DNA position 817, C replaced by G.
Protein change: p.Arg273Gly; replaces arginine 273 with glycine.
Molecular consequence: missense variant.
Genome position (GRCh38, 1-based): chr8:54,459,567, C>G. VCF-style: chr8-54459567-C-G. GRCh37 (hg19) VCF-style: chr8-55372127-C-G.
Other names: short protein forms R273G.
Identifiers: ClinVar variation 2130388 (VCV002130388.4), dbSNP rs1804701758, ClinGen allele CA371025215.
Genomic context (GRCh38, chr8:54,459,567, plus strand): 5'-TACGCGCAGGTCTCGGACTACGCTGGCCCCCCGGAGCCTCCCGCCGGTCCCATGCACCCC[C>G]GACTCGGCCCAGAGCCCGCGGGTCCCTCGATTCCGGGCCTCCTGGCGCCACCCAGCGCCC-3'
Protein context (NP_071899.1, residues 263-283): PEPPAGPMHP[Arg273Gly]LGPEPAGPSI

ClinVar aggregate classification (germline): Uncertain significance (1 of 4 stars; one submission).

Allele frequency attached by ClinVar (database versions not stated): gnomAD exomes below 0.00001; TOPMed below 0.00001; gnomAD 0.00001.

Submission:

Labcorp Genetics (formerly Invitae), Labcorp
Classification: Uncertain significance. Last evaluated: 2022-11-15. Review status: criteria provided, single submitter. Criteria: Invitae Variant Classification Sherloc (09022015). Collection method: clinical testing. Allele origin: germline.
Comment: In summary, the available evidence is currently insufficient to determine the role of this variant in disease. Therefore, it has been classified as a Variant of Uncertain Significance. Advanced modeling of protein sequence and biophysical properties (such as structural, functional, and spatial information, amino acid conservation, physicochemical variation, residue mobility, and thermodynamic stability) performed at Invitae indicates that this missense variant is not expected to disrupt SOX17 protein function. This variant has not been reported in the literature in individuals affected with SOX17-related conditions. This variant is not present in population databases (gnomAD no frequency). This sequence change replaces arginine, which is basic and polar, with glycine, which is neutral and non-polar, at codon 273 of the SOX17 protein (p.Arg273Gly).